The following is an entry in ClinVar:

NM_001042492.3(NF1):c.1393-3T>C

Gene: NF1 (neurofibromin 1; plus strand). Cytogenetic location: 17q11.2.
Variant type: single nucleotide variant.
Coding change: c.1393-3T>C on transcript NM_001042492.3 (MANE Select); 3 bases into the intron before coding-DNA position 1393, T replaced by C.
Molecular consequence: intron variant.
Genome position (GRCh38, 1-based): chr17:31,214,448, T>C. VCF-style: chr17-31214448-T-C. GRCh37 (hg19) VCF-style: chr17-29541466-T-C.
Other names: c.1393-3T>C (NM_000267.4, NM_001128147.3).
Identifiers: ClinVar variation 4119048 (VCV004119048.1).
Genomic context (GRCh38, chr17:31,214,448, plus strand): 5'-AAAGGTTGGATAGCTATTATCCTGAGTCTTATGTCTGATACCATGTTTTTGTTTTGTTTT[T>C]AGAGTCTTACATTTAAAGAAAAAGTAACAAGCCTTAAATTTAAAGAAAAACCTACAGACC-3'

ClinVar aggregate classification (germline): Uncertain significance (1 of 4 stars; one submission).

Conditions:
Cardiovascular phenotype. Identifiers: MedGen CN230736.
Hereditary cancer-predisposing syndrome. Also called: Hereditary neoplastic syndrome; Neoplastic Syndromes, Hereditary; Tumor predisposition; Hereditary Cancer Syndrome. Identifiers: Orphanet 140162, MedGen C0027672, MeSH D009386, MONDO:0015356.

Submission:

Ambry Genetics
Classification: Uncertain significance for Cardiovascular phenotype; Hereditary cancer-predisposing syndrome. Last evaluated: 2025-06-18. Review status: criteria provided, single submitter. Criteria: Ambry Variant Classification Scheme 2023. Collection method: clinical testing. Allele origin: germline.
Comment: The c.1393-3T>C intronic variant results from a T to C substitution 3 nucleotides upstream from coding exon 13 in the NF1 gene. This nucleotide position is not well conserved in available vertebrate species. In silico splice site analysis predicts that this alteration will not have any significant effect on splicing. Based on the available evidence, the clinical significance of this variant remains unclear.